The following is an entry in ClinVar:

ClinVar aggregate classification (germline): Uncertain significance (1 of 4 stars; one submission).

Conditions:
Familial cold autoinflammatory syndrome 3 (FCAS3). Also called: FAMILIAL ATYPICAL COLD URTICARIA; ANTIBODY DEFICIENCY AND IMMUNE DYSREGULATION, PLCG2-ASSOCIATED. Identifiers: Orphanet 300359, MedGen C3280914, MONDO:0013766, OMIM 614468.

gnomAD v4.1: 1 of 1,614,034 alleles (0.000062%); no homozygotes.

Submission:

Labcorp Genetics (formerly Invitae), Labcorp
Classification: Uncertain significance for Familial cold autoinflammatory syndrome 3. Last evaluated: 2024-12-08. Review status: criteria provided, single submitter. Criteria: Invitae Variant Classification Sherloc (09022015). Collection method: clinical testing. Allele origin: germline.
Comment: This sequence change replaces asparagine, which is neutral and polar, with lysine, which is basic and polar, at codon 78 of the PLCG2 protein (p.Asn78Lys). This variant is not present in population databases (gnomAD no frequency). This variant has not been reported in the literature in individuals affected with PLCG2-related conditions. An algorithm developed to predict the effect of missense changes on protein structure and function (PolyPhen-2) suggests that this variant is likely to be tolerated. In summary, the available evidence is currently insufficient to determine the role of this variant in disease. Therefore, it has been classified as a Variant of Uncertain Significance.

NM_002661.5(PLCG2):c.234C>G (p.Asn78Lys)

Gene: PLCG2 (phospholipase C gamma 2; plus strand). Cytogenetic location: 16q23.3.
Variant type: single nucleotide variant.
Coding change: c.234C>G on transcript NM_002661.5 (MANE Select); coding-DNA position 234, C replaced by G.
Protein change: p.Asn78Lys; replaces asparagine 78 with lysine.
Molecular consequence: missense variant.
Genome position (GRCh38, 1-based): chr16:81,854,484, C>G. VCF-style: chr16-81854484-C-G. GRCh37 (hg19) VCF-style: chr16-81888089-C-G.
Other names: c.234C>G, p.Asn78Lys (NM_001425749.1, NM_001425750.1, NM_001425751.1); short protein forms N78K.
Identifiers: ClinVar variation 3603756 (VCV003603756.2).
Genomic context (GRCh38, chr16:81,854,484, plus strand): 5'-TCATGTTAATTTCATTTTAGTGGATATCATGGAAATAAAAGAAATCCGCCCAGGGAAGAA[C>G]TCCAAAGATTTCGAGCGAGCAAAAGCAGTTCGCCAGAAAGAAGACTGCTGCTTCACCATC-3'
Protein context (NP_002652.2, residues 68-88): MEIKEIRPGK[Asn78Lys]SKDFERAKAV